The following is an entry in ClinVar:

NM_024105.4(ALG12):c.475C>T (p.Leu159=)

Gene: ALG12 (ALG12 alpha-1,6-mannosyltransferase; minus strand). Cytogenetic location: 22q13.33.
Variant type: single nucleotide variant.
Coding change: c.475C>T on transcript NM_024105.4 (MANE Select); coding-DNA position 475, C replaced by T.
Protein change: p.Leu159=; no amino-acid change (leucine 159 retained).
Molecular consequence: synonymous variant.
Genome position (GRCh38, 1-based): chr22:49,910,083, G>A on the plus strand (C>T on the coding strand, the complement: ALG12 is on the minus strand). VCF-style: chr22-49910083-G-A. GRCh37 (hg19) VCF-style: chr22-50303731-G-A.
Identifiers: ClinVar variation 3030650 (VCV003030650.2), dbSNP rs1569176378, ClinGen allele CA514983810.

ClinVar aggregate classification (germline): Likely benign (0 of 4 stars; one submission).

Conditions:
ALG12-related disorder. Also called: ALG12-related condition.

Allele frequency attached by ClinVar (database versions not stated): gnomAD exomes below 0.00001.
gnomAD v4.1: 3 of 1,606,588 alleles (0.00019%); highest among the groups gnomAD compares: Non-Finnish European, 0.00025%; no homozygotes.

Submission:

PreventionGenetics, part of Exact Sciences
Classification: Likely benign for ALG12-related condition. Last evaluated: 2022-04-10. Review status: no assertion criteria provided. Collection method: clinical testing. Allele origin: germline.
Comment: This variant is classified as likely benign based on ACMG/AMP sequence variant interpretation guidelines (Richards et al. 2015 PMID: 25741868, with internal and published modifications).